The following is an entry in ClinVar:

ClinVar aggregate classification (germline): Uncertain significance (1 of 4 stars; one submission).

Conditions:
Ataxia-telangiectasia syndrome (AT). Also called: Cerebello-oculocutaneous telangiectasia; Immunodeficiency with ataxia telangiectasia; Ataxia-telangiectasia, complementation group E; Ataxia-telangiectasia, complementation group D; LOUIS-BAR SYNDROME; AT, COMPLEMENTATION GROUP C. Identifiers: Orphanet 100, MedGen C0004135, MONDO:0008840, OMIM 208900.

Submission:

Labcorp Genetics (formerly Invitae), Labcorp
Classification: Uncertain significance for Ataxia-telangiectasia syndrome. Last evaluated: 2025-10-20. Review status: criteria provided, single submitter. Criteria: Invitae Variant Classification Sherloc (09022015). Collection method: clinical testing. Allele origin: germline.
Comment: This sequence change replaces glutamic acid, which is acidic and polar, with lysine, which is basic and polar, at codon 1666 of the ATM protein (p.Glu1666Lys). This variant is not present in population databases (gnomAD no frequency). This variant has not been reported in the literature in individuals affected with ATM-related conditions. ClinVar contains an entry for this variant (Variation ID: 2842052). Invitae Evidence Modeling of protein sequence and biophysical properties (such as structural, functional, and spatial information, amino acid conservation, physicochemical variation, residue mobility, and thermodynamic stability) indicates that this missense variant is not expected to disrupt ATM protein function with a negative predictive value of 95%. Algorithms developed to predict the effect of sequence changes on RNA splicing suggest that this variant may disrupt the consensus splice site. In summary, the available evidence is currently insufficient to determine the role of this variant in disease. Therefore, it has been classified as a Variant of Uncertain Significance.

NM_000051.4(ATM):c.4996G>A (p.Glu1666Lys)

Gene: ATM (ATM serine/threonine kinase; plus strand). Cytogenetic location: 11q22.3.
Variant type: single nucleotide variant.
Coding change: c.4996G>A on transcript NM_000051.4 (MANE Select); coding-DNA position 4996, G replaced by A.
Protein change: p.Glu1666Lys; replaces glutamic acid 1666 with lysine.
Molecular consequence: missense variant.
Genome position (GRCh38, 1-based): chr11:108,297,373, G>A. VCF-style: chr11-108297373-G-A. GRCh37 (hg19) VCF-style: chr11-108168100-G-A.
Other names: c.4996G>A, p.Glu1666Lys (NM_001351834.2); short protein forms E1666K.
Identifiers: ClinVar variation 2842052 (VCV002842052.3), dbSNP rs2135863901, ClinGen allele CA382538556.